The following is an entry in ClinVar:

NM_025132.4(WDR19):c.2797del (p.Asp933fs)

Gene: WDR19 (WD repeat domain 19; plus strand). Cytogenetic location: 4p14.
Variant type: Deletion.
Coding change: c.2797del on transcript NM_025132.4 (MANE Select); coding-DNA position 2797, one base deleted (G; older notation c.2797delG).
Protein change: p.Asp933fs; shifts the reading frame from aspartic acid 933.
Molecular consequence: frameshift variant.
Genome position (GRCh38, 1-based): chr4:39,253,213, G deleted; the last of 2 consecutive G bases (chr4:39,253,212-39,253,213); deleting either gives the same sequence. VCF-style (leftmost placement, unchanged base first): chr4-39253211-TG-T. GRCh37 (hg19) VCF-style: chr4-39254831-TG-T.
Other names: c.2317del, p.Asp773fs (NM_001317924.2); short protein forms D773fs, D933fs.
Identifiers: ClinVar variation 2104717 (VCV002104717.4), dbSNP rs2475315841, ClinGen allele CA2580070968.
Genomic context (GRCh38, chr4:39,253,211, plus strand): 5'-AAGAAGCTGTTGTAGCTTATGAAAATGCAAAACAGTGGCAAAGTGTAATCCGCATCTATC[TG>T]GATCACCTCAATAATCCTGAAAAAGCTGTCAATATTGTTAGAGAGACCCAGTCTCTGGAT-3'

ClinVar aggregate classification (germline): Pathogenic (1 of 4 stars; one submission).

Conditions:
Senior-Loken syndrome 8 (SLSN8). Identifiers: Orphanet 3156, MedGen C4225376, MONDO:0014579, OMIM 616307.
Asphyxiating thoracic dystrophy 5 (SRTD5). Also called: SHORT-RIB THORACIC DYSPLASIA 5 WITHOUT POLYDACTYLY; SHORT-RIB THORACIC DYSPLASIA 5 WITH OR WITHOUT POLYDACTYLY. Identifiers: Orphanet 474, MedGen C3280598, MONDO:0013717, OMIM 614376.

Submission:

Labcorp Genetics (formerly Invitae), Labcorp
Classification: Pathogenic for Senior-Loken syndrome 8; Asphyxiating thoracic dystrophy 5. Last evaluated: 2022-10-31. Review status: criteria provided, single submitter. Criteria: Invitae Variant Classification Sherloc (09022015). Collection method: clinical testing. Allele origin: germline.
Comment: This variant is not present in population databases (gnomAD no frequency). This sequence change creates a premature translational stop signal (p.Asp933Ilefs*25) in the WDR19 gene. It is expected to result in an absent or disrupted protein product. Loss-of-function variants in WDR19 are known to be pathogenic (PMID: 22019273, 23559409, 23683095, 26275793, 27241786, 29068549). This variant has not been reported in the literature in individuals affected with WDR19-related conditions. For these reasons, this variant has been classified as Pathogenic.

Literature cited by the submitters: PubMed 22019273; PubMed 23559409; PubMed 23683095; PubMed 26275793; PubMed 27241786; PubMed 29068549.